The following is an entry in ClinVar:

NM_015057.5(MYCBP2):c.3116C>G (p.Pro1039Arg)

Gene: MYCBP2 (MYC binding protein 2; minus strand). Cytogenetic location: 13q22.3.
Variant type: single nucleotide variant.
Coding change: c.3116C>G on transcript NM_015057.5 (MANE Select); coding-DNA position 3116, C replaced by G.
Protein change: p.Pro1039Arg; replaces proline 1039 with arginine.
Molecular consequence: missense variant.
Genome position (GRCh38, 1-based): chr13:77,212,102, G>C on the plus strand (C>G on the coding strand, the complement: MYCBP2 is on the minus strand). VCF-style: chr13-77212102-G-C. GRCh37 (hg19) VCF-style: chr13-77786237-G-C.
Other names: short protein forms P1039R.
Identifiers: ClinVar variation 3376000 (VCV003376000.1).

ClinVar aggregate classification (germline): Uncertain significance (1 of 4 stars; one submission).

Submission:

GeneDx
Classification: Uncertain significance. Last evaluated: 2024-05-02. Review status: criteria provided, single submitter. Criteria: GeneDx Variant Classification Process June 2021. Collection method: clinical testing. Allele origin: germline. Affected: yes.
Comment: Not observed at significant frequency in large population cohorts (gnomAD); In silico analysis supports that this missense variant has a deleterious effect on protein structure/function; Has not been previously published as pathogenic or benign to our knowledge